The following is an entry in ClinVar:

ClinVar aggregate classification (germline): Uncertain significance (1 of 4 stars; one submission).

Allele frequency attached by ClinVar (database versions not stated): TOPMed below 0.00001.

Submission:

Labcorp Genetics (formerly Invitae), Labcorp
Classification: Uncertain significance. Last evaluated: 2025-06-12. Review status: criteria provided, single submitter. Criteria: Invitae Variant Classification Sherloc (09022015). Collection method: clinical testing. Allele origin: germline.
Comment: This sequence change replaces alanine, which is neutral and non-polar, with glycine, which is neutral and non-polar, at codon 375 of the SOX18 protein (p.Ala375Gly). This variant is not present in population databases (gnomAD no frequency). This variant has not been reported in the literature in individuals affected with SOX18-related conditions. ClinVar contains an entry for this variant (Variation ID: 2695536). An algorithm developed to predict the effect of missense changes on protein structure and function (PolyPhen-2) suggests that this variant is likely to be disruptive. In summary, the available evidence is currently insufficient to determine the role of this variant in disease. Therefore, it has been classified as a Variant of Uncertain Significance.

NM_018419.3(SOX18):c.1124C>G (p.Ala375Gly)

Gene: SOX18 (SRY-box transcription factor 18; minus strand). Cytogenetic location: 20q13.33.
Variant type: single nucleotide variant.
Coding change: c.1124C>G on transcript NM_018419.3 (MANE Select); coding-DNA position 1124, C replaced by G.
Protein change: p.Ala375Gly; replaces alanine 375 with glycine.
Molecular consequence: missense variant.
Genome position (GRCh38, 1-based): chr20:64,048,197, G>C on the plus strand (C>G on the coding strand, the complement: SOX18 is on the minus strand). VCF-style: chr20-64048197-G-C. GRCh37 (hg19) VCF-style: chr20-62679550-G-C.
Other names: short protein forms A375G.
Identifiers: ClinVar variation 2695536 (VCV002695536.3), dbSNP rs1601549469, ClinGen allele CA409751240.
Genomic context (GRCh38, chr20:64,048,197, plus strand): 5'-GCTGCAGGGACCCGGGCGGCGCCGGCGGCCTAGCCGGAGATGCACGCGCTGTAATAGACC[G>C]CGCTGCTGGCGTCCGACAGCGCGGAGATCAGGCTGCTCTCCTCTGGGCAGGACATGGCGC-3'
Protein context (NP_060889.1, residues 365-384): LISALSDASS[Ala375Gly]VYYSACISG